The following is an entry in ClinVar:

ClinVar aggregate classification (germline): Uncertain significance (1 of 4 stars; one submission).

gnomAD v4.1: 1 of 1,613,882 alleles (0.000062%); highest among the groups gnomAD compares: Non-Finnish European, 0.000085%; no homozygotes.

Submission:

Labcorp Genetics (formerly Invitae), Labcorp
Classification: Uncertain significance. Last evaluated: 2025-10-23. Review status: criteria provided, single submitter. Criteria: Invitae Variant Classification Sherloc (09022015). Collection method: clinical testing. Allele origin: germline.
Comment: This sequence change replaces isoleucine, which is neutral and non-polar, with valine, which is neutral and non-polar, at codon 943 of the JAK1 protein (p.Ile943Val). This variant is not present in population databases (gnomAD no frequency). This variant has not been reported in the literature in individuals affected with JAK1-related conditions. An algorithm developed to predict the effect of missense changes on protein structure and function (PolyPhen-2) suggests that this variant is likely to be disruptive. In summary, the available evidence is currently insufficient to determine the role of this variant in disease. Therefore, it has been classified as a Variant of Uncertain Significance.

NM_002227.4(JAK1):c.2827A>G (p.Ile943Val)

Gene: JAK1 (Janus kinase 1; minus strand). Cytogenetic location: 1p31.3.
Variant type: single nucleotide variant.
Coding change: c.2827A>G on transcript NM_002227.4 (MANE Select); coding-DNA position 2827, A replaced by G.
Protein change: p.Ile943Val; replaces isoleucine 943 with valine.
Molecular consequence: missense variant.
Genome position (GRCh38, 1-based): chr1:64,839,618, T>C on the plus strand (A>G on the coding strand, the complement: JAK1 is on the minus strand). VCF-style: chr1-64839618-T-C. GRCh37 (hg19) VCF-style: chr1-65305301-T-C.
Other names: c.2827A>G, p.Ile943Val (NM_001320923.2, NM_001321852.2, NM_001321853.2 and 3 more transcripts); c.2824A>G, p.Ile942Val (NM_001321857.2); short protein forms I942V, I943V.
Identifiers: ClinVar variation 4776147 (VCV004776147.1).